The following is an entry in ClinVar:

NM_001750.7(CAST):c.495A>G (p.Lys165=)

Gene: CAST (calpastatin; plus strand). Cytogenetic location: 5q15.
Variant type: single nucleotide variant.
Coding change: c.495A>G on transcript NM_001750.7 (MANE Select); coding-DNA position 495, A replaced by G.
Protein change: p.Lys165=; no amino-acid change (lysine 165 retained).
Molecular consequence: synonymous variant.
Genome position (GRCh38, 1-based): chr5:96,729,671, A>G. VCF-style: chr5-96729671-A-G. GRCh37 (hg19) VCF-style: chr5-96065375-A-G.
Other names: c.372A>G, p.Lys124= (NM_001042440.5, NM_001330627.2); c.438A>G, p.Lys146= (NM_001042441.3, NM_001330626.2); c.429A>G, p.Lys143= (NM_001042442.3, NM_001329966.1); c.246A>G, p.Lys82= (NM_001042443.3, NM_001190442.2, NM_001330631.2 and 3 more transcripts); c.123A>G, p.Lys41= (NM_001042444.3, NM_001042446.3, NM_001284212.4 and 2 more transcripts); c.180A>G, p.Lys60= (NM_001042445.3, NM_001284213.4, NM_001330632.2 and 8 more transcripts); c.327A>G, p.Lys109= (NM_001330628.2); c.450A>G, p.Lys150= (NM_001330629.2); and 2 more.
Identifiers: ClinVar variation 3036793 (VCV003036793.2), dbSNP rs1760047816, ClinGen allele CA445499302.

ClinVar aggregate classification (germline): Likely benign (0 of 4 stars; one submission).

Conditions:
CAST-related disorder. Also called: CAST-related condition.

Submission:

PreventionGenetics, part of Exact Sciences
Classification: Likely benign for CAST-related condition. Last evaluated: 2020-06-01. Review status: no assertion criteria provided. Collection method: clinical testing. Allele origin: germline.
Comment: This variant is classified as likely benign based on ACMG/AMP sequence variant interpretation guidelines (Richards et al. 2015 PMID: 25741868, with internal and published modifications).